The following is an entry in ClinVar:

NM_006015.6(ARID1A):c.4101G>A (p.Gln1367=)

Gene: ARID1A (AT-rich interaction domain 1A; plus strand). Cytogenetic location: 1p36.11.
Variant type: single nucleotide variant.
Coding change: c.4101G>A on transcript NM_006015.6 (MANE Select); coding-DNA position 4101, G replaced by A.
Protein change: p.Gln1367=; no amino-acid change (glutamine 1367 retained).
Molecular consequence: synonymous variant.
Genome position (GRCh38, 1-based): chr1:26,773,898, G>A. VCF-style: chr1-26773898-G-A. GRCh37 (hg19) VCF-style: chr1-27100389-G-A.
Other names: c.4101G>A, p.Gln1367= (NM_139135.4).
Identifiers: ClinVar variation 1307168 (VCV001307168.4), dbSNP rs2081109271, ClinGen allele CA416967817.

ClinVar aggregate classification (germline): Likely pathogenic. Review status: criteria provided, multiple submitters, no conflicts (2 of 4 stars). 2 submissions from 2 submitters: Likely pathogenic (2). Last evaluated 2024-01-21.

Conditions:
Neurodevelopmental delay. Identifiers: MedGen C4022738, HP:0012758.

Submissions (2):

GeneDx
Classification: Likely pathogenic. Last evaluated: 2024-01-21. Review status: criteria provided, single submitter. Criteria: GeneDx Variant Classification Process June 2021. Collection method: clinical testing. Allele origin: germline. Affected: yes.
Comment: Alters the last nucleotide of the exon and is predicted to damage or destroy the splice donor site but the effect on protein function is unclear; Not observed at significant frequency in large population cohorts (gnomAD); Has not been previously published as pathogenic or benign to our knowledge; This variant is associated with the following publications: (PMID: 26437032)

Centre de Biologie Pathologie Génétique, Centre Hospitalier Universitaire de Lille
Classification: Likely pathogenic for Neurodevelopmental delay. Review status: criteria provided, single submitter. Criteria: ACMG Guidelines, 2015. Collection method: clinical testing. Allele origin: de novo. Affected: yes.